The following is an entry in ClinVar:

NM_012254.3(SLC27A5):c.626G>A (p.Arg209Gln)

Gene: SLC27A5 (solute carrier family 27 member 5; minus strand). Cytogenetic location: 19q13.43.
Variant type: single nucleotide variant.
Coding change: c.626G>A on transcript NM_012254.3 (MANE Select); coding-DNA position 626, G replaced by A.
Protein change: p.Arg209Gln; replaces arginine 209 with glutamine.
Molecular consequence: missense variant. On other transcripts: intron variant (1).
Genome position (GRCh38, 1-based): chr19:58,511,330, C>T on the plus strand (G>A on the coding strand, the complement: SLC27A5 is on the minus strand). VCF-style: chr19-58511330-C-T. GRCh37 (hg19) VCF-style: chr19-59022697-C-T.
Other names: c.436+190G>A (NM_001321196.2); c.626G>A (NM_012254.2); short protein forms R209Q.
Identifiers: ClinVar variation 593339 (VCV000593339.9), dbSNP rs148336155, ClinGen allele CA9718250.

ClinVar aggregate classification (germline): Uncertain significance. Review status: criteria provided, multiple submitters, no conflicts (2 of 4 stars). 3 submissions from 3 submitters: Uncertain significance (3). Last evaluated 2026-09-04.

Conditions:
SLC27A5-related disorder. Also called: SLC27A5-related condition.

Allele frequency attached by ClinVar (database versions not stated): gnomAD exomes 0.00023 and 0.00049; gnomAD 0.00031 and 0.00032; TOPMed 0.00032; ESP Exome Variant Server 0.00055.

Submissions (3):

PreventionGenetics, part of Exact Sciences
Classification: Uncertain significance for SLC27A5-related condition. Last evaluated: 2026-09-04. Review status: criteria provided, single submitter. Criteria: ACMG Guidelines, 2015. Collection method: clinical testing. Allele origin: germline.
Comment: The SLC27A5 c.626G>A variant is predicted to result in the amino acid substitution p.Arg209Gln. To our knowledge, this variant has not been reported in the literature. This variant is reported in 0.045% of alleles in individuals of European (non-Finnish) descent in gnomAD. At this time, the clinical significance of this variant is uncertain due to the absence of conclusive functional and genetic evidence.

Labcorp Genetics (formerly Invitae), Labcorp
Classification: Uncertain significance. Last evaluated: 2025-07-14. Review status: criteria provided, single submitter. Criteria: Invitae Variant Classification Sherloc (09022015). Collection method: clinical testing. Allele origin: germline.
Comment: This sequence change replaces arginine, which is basic and polar, with glutamine, which is neutral and polar, at codon 209 of the SLC27A5 protein (p.Arg209Gln). This variant is present in population databases (rs148336155, gnomAD 0.04%). This variant has not been reported in the literature in individuals affected with SLC27A5-related conditions. ClinVar contains an entry for this variant (Variation ID: 593339). An algorithm developed to predict the effect of missense changes on protein structure and function outputs the following: PolyPhen-2: "Benign". The glutamine amino acid residue is found in multiple mammalian species, which suggests that this missense change does not adversely affect protein function. In summary, the available evidence is currently insufficient to determine the role of this variant in disease. Therefore, it has been classified as a Variant of Uncertain Significance.

Eurofins Ntd Llc (ga)
Classification: Uncertain significance. Last evaluated: 2017-12-21. Review status: criteria provided, single submitter. Criteria: EGL Classification Definitions 2015. Collection method: clinical testing. Allele origin: germline. Observed: 2 variant alleles, 2 heterozygotes.